The following is an entry in ClinVar:

ClinVar aggregate classification (germline): Uncertain significance. Review status: criteria provided, single submitter (1 of 4 stars). 2 submissions from 2 submitters: Uncertain significance (1). 1 of the submissions does not count toward it. Last evaluated 2017-04-27.

Conditions:
SLC1A1-related disorder. Also called: SLC1A1-related condition.
Dicarboxylic aminoaciduria (DCBXA). Also called: GLUTAMATE-ASPARTATE TRANSPORT DEFECT. Identifiers: Orphanet 2195, MedGen C1857253, MONDO:0009110, OMIM 222730.

Allele frequency attached by ClinVar (database versions not stated): 1000 Genomes Project 0.00020; 1000 Genomes Project 30x 0.00031; ExAC 0.00124; gnomAD exomes 0.00133 and 0.00256; ESP Exome Variant Server 0.00146; gnomAD 0.00168 and 0.00179; TOPMed 0.00175.
gnomAD v4.1: 3,928 of 1,613,844 alleles (0.24%); highest among the groups gnomAD compares: Non-Finnish European, 0.31%; 9 homozygotes.

Submissions (2):

Illumina Laboratory Services, Illumina
Classification: Uncertain significance for Dicarboxylic aminoaciduria. Last evaluated: 2017-04-27. Review status: criteria provided, single submitter. Criteria: ICSL Variant Classification Criteria 13 December 2019. Collection method: clinical testing. Allele origin: germline.

PreventionGenetics, part of Exact Sciences
Classification: Likely benign for SLC1A1-related condition. Last evaluated: 2022-02-03. Review status: no assertion criteria provided. Collection method: clinical testing. Allele origin: germline. Not counted in ClinVar's aggregate classification.
Comment: This variant is classified as likely benign based on ACMG/AMP sequence variant interpretation guidelines (Richards et al. 2015 PMID: 25741868, with internal and published modifications).

NM_004170.6(SLC1A1):c.920T>C (p.Ile307Thr)

Gene: SLC1A1 (solute carrier family 1 member 1; plus strand). Cytogenetic location: 9p24.2.
Variant type: single nucleotide variant.
Coding change: c.920T>C on transcript NM_004170.6 (MANE Select); coding-DNA position 920, T replaced by C.
Protein change: p.Ile307Thr; replaces isoleucine 307 with threonine.
Molecular consequence: missense variant.
Genome position (GRCh38, 1-based): chr9:4,576,045, T>C. VCF-style: chr9-4576045-T-C. GRCh37 (hg19) VCF-style: chr9-4576045-T-C.
Other names: short protein forms I307T.
Identifiers: ClinVar variation 913887 (VCV000913887.6), dbSNP rs34342853, ClinGen allele CA4969167.
Genomic context (GRCh38, chr9:4,576,045, plus strand): 5'-TCTTTCTTGTTTACAGGCTTGCAATCCACTCCATTGTAATTCTCCCGCTGATATATTTCA[T>C]AGTCGTACGAAAGAACCCTTTCCGATTTGCCATGGGAATGGCCCAGGCTCTCCTGACAGC-3'
Protein context (NP_004161.4, residues 297-317): SIVILPLIYF[Ile307Thr]VVRKNPFRFA